The following is an entry in ClinVar:

NM_014236.4(GNPAT):c.1453C>T (p.Leu485=)

Gene: GNPAT (glyceronephosphate O-acyltransferase; plus strand). Cytogenetic location: 1q42.2.
Variant type: single nucleotide variant.
Coding change: c.1453C>T on transcript NM_014236.4 (MANE Select); coding-DNA position 1453, C replaced by T.
Protein change: p.Leu485=; no amino-acid change (leucine 485 retained).
Molecular consequence: synonymous variant.
Genome position (GRCh38, 1-based): chr1:231,270,931, C>T. VCF-style: chr1-231270931-C-T. GRCh37 (hg19) VCF-style: chr1-231406677-C-T.
Other names: c.1270C>T, p.Leu424= (NM_001316350.2).
Identifiers: ClinVar variation 296127 (VCV000296127.20), dbSNP rs370837823, ClinGen allele CA1452026.

ClinVar aggregate classification (germline): Conflicting classifications of pathogenicity. Review status: criteria provided, conflicting classifications (1 of 4 stars). 5 submissions from 5 submitters: Uncertain significance (1); Likely benign (4). Last evaluated 2026-01-26.

Conditions:
Rhizomelic chondrodysplasia punctata type 2 (RCDP2). Also called: DIHYDROXYACETONEPHOSPHATE ACYLTRANSFERASE DEFICIENCY; glyceronephosphate O-acyltransferase (GNPAT) deficiency; Glyceronephosphate O-acyltransferase deficiency; DHAPAT DEFICIENCY; PEROXISOMAL DIHYDROXYACETONEPHOSPHATE ACYLTRANSFERASE DEFICIENCY; Chondrodysplasia punctata, rhizomelic, due to dihydroxyacetonephosphate acyltransferase deficiency. Identifiers: Orphanet 177, Orphanet 309796, MedGen C1857242, MONDO:0100273, OMIM 222765. Disease mechanism: loss of function.

Allele frequency attached by ClinVar (database versions not stated): gnomAD exomes 0.00014 and 0.00010; gnomAD 0.00007 and 0.00006; ESP Exome Variant Server 0.00008; 1000 Genomes Project 0.00020; 1000 Genomes Project 30x 0.00016; ExAC 0.00016; TOPMed 0.00005.
gnomAD v4.1: 160 of 1,614,024 alleles (0.0099%); highest among the groups gnomAD compares: South Asian, 0.087%; no homozygotes.

Submissions (5):

Labcorp Genetics (formerly Invitae), Labcorp
Classification: Likely benign. Last evaluated: 2026-01-26. Review status: criteria provided, single submitter. Criteria: Invitae Variant Classification Sherloc (09022015). Collection method: clinical testing. Allele origin: germline.

Blueprint Genetics
Classification: Likely benign. Last evaluated: 2024-09-23. Review status: criteria provided, single submitter. Criteria: ACMG Guidelines, 2015. Collection method: clinical testing. Allele origin: germline.

ARUP Laboratories, Molecular Genetics and Genomics, ARUP Laboratories
Classification: Likely benign. Last evaluated: 2018-06-26. Review status: criteria provided, single submitter. Criteria: ARUP Molecular Germline Variant Investigation Process. Collection method: clinical testing. Allele origin: germline.
Comment: The GNPAT c.1453C>T; p.Leu485Leu variant (rs370837823), to our knowledge, is not described in the medical literature but is reported in ClinVar (Variation ID: 296127). It is observed in the general population at an overall frequency of 0.014% (38/277136 alleles) in the Genome Aggregation Database. This is a synonymous variant at a nucleotide that is weakly conserved, and computational algorithms (Alamut v.2.11) predict no impact on splicing. Based on available information, this variant is considered likely benign.

Illumina Laboratory Services, Illumina
Classification: Uncertain significance for Rhizomelic chondrodysplasia punctata type 2. Last evaluated: 2018-01-12. Review status: criteria provided, single submitter. Criteria: ICSL Variant Classification Criteria 13 December 2019. Collection method: clinical testing. Allele origin: germline.

GeneDx
Classification: Likely benign. Last evaluated: 2016-08-04. Review status: criteria provided, single submitter. Criteria: GeneDx Variant Classification (06012015). Collection method: clinical testing. Allele origin: germline. Affected: yes.
Comment: This variant is considered likely benign or benign based on one or more of the following criteria: it is a conservative change, it occurs at a poorly conserved position in the protein, it is predicted to be benign by multiple in silico algorithms, and/or has population frequency not consistent with disease.